The following is an entry in ClinVar:

NM_000836.4(GRIN2D):c.667C>G (p.Leu223Val)

Gene: GRIN2D (glutamate ionotropic receptor NMDA type subunit 2D; plus strand). Cytogenetic location: 19q13.33.
Variant type: single nucleotide variant.
Coding change: c.667C>G on transcript NM_000836.4 (MANE Select); coding-DNA position 667, C replaced by G.
Protein change: p.Leu223Val; replaces leucine 223 with valine.
Molecular consequence: missense variant.
Genome position (GRCh38, 1-based): chr19:48,404,935, C>G. VCF-style: chr19-48404935-C-G. GRCh37 (hg19) VCF-style: chr19-48908192-C-G.
Other names: short protein forms L223V.
Identifiers: ClinVar variation 808607 (VCV000808607.42), dbSNP rs1455455958, ClinGen allele CA406691683.
Genomic context (GRCh38, chr19:48,404,935, plus strand): 5'-TACATTGAGGTGCTGACTGACGGTAGTCTGGTGGGCTGGGAGCACCGCGGAGCGCTGACG[C>G]TGGACCCTGGGGCGGGCGAGGCCGTGCTCAGTGCCCAGCTCCGCAGTGTCAGCGCGCAGA-3'
Protein context (NP_000827.2, residues 213-233): VGWEHRGALT[Leu223Val]DPGAGEAVLS

ClinVar aggregate classification (germline): Uncertain significance (1 of 4 stars; one submission).

Allele frequency attached by ClinVar (database versions not stated): TOPMed below 0.00001.
gnomAD v4.1: 1 of 1,613,478 alleles (0.000062%); highest among the groups gnomAD compares: Non-Finnish European, 0.000085%; no homozygotes.

Submission:

CeGaT Center for Human Genetics Tuebingen
Classification: Uncertain significance. Last evaluated: 2023-02-01. Review status: criteria provided, single submitter. Criteria: CeGaT Center For Human Genetics Tuebingen Variant Classification Criteria Version 2. Collection method: clinical testing. Allele origin: germline. Affected: yes. Observed: 4 variant alleles.
Comment: GRIN2D: PM2, PP2